The following is an entry in ClinVar:

ClinVar aggregate classification (germline): Uncertain significance (1 of 4 stars; one submission).

Conditions:
Hepatic methionine adenosyltransferase deficiency. Also called: MAT I/III DEFICIENCY; Isolated Persistent Hypermethioninemia; Methionine adenosyltransferase deficiency; Deficiency of methionine adenosyltransferase. Identifiers: Orphanet 168598, MedGen C0268621, MeSH C564683, MONDO:0009607, OMIM 250850.

Submission:

Labcorp Genetics (formerly Invitae), Labcorp
Classification: Uncertain significance for Hepatic methionine adenosyltransferase deficiency. Last evaluated: 2018-08-20. Review status: criteria provided, single submitter. Criteria: Invitae Variant Classification Sherloc (09022015). Collection method: clinical testing. Allele origin: germline.
Comment: Algorithms developed to predict the effect of missense changes on protein structure and function are either unavailable or do not agree on the potential impact of this missense change (SIFT: "Deleterious"; PolyPhen-2: "Probably Damaging"; Align-GVGD: "Class C0"). This sequence change replaces lysine with threonine at codon 97 of the MAT1A protein (p.Lys97Thr). The lysine residue is highly conserved and there is a moderate physicochemical difference between lysine and threonine. This variant is not present in population databases (ExAC no frequency). This variant has not been reported in the literature in individuals with MAT1A-related disease. In summary, the available evidence is currently insufficient to determine the role of this variant in disease. Therefore, it has been classified as a Variant of Uncertain Significance.

NM_000429.3(MAT1A):c.290A>C (p.Lys97Thr)

Gene: MAT1A (methionine adenosyltransferase 1A; minus strand). Cytogenetic location: 10q22.3.
Variant type: single nucleotide variant.
Coding change: c.290A>C on transcript NM_000429.3 (MANE Select); coding-DNA position 290, A replaced by C.
Protein change: p.Lys97Thr; replaces lysine 97 with threonine.
Molecular consequence: missense variant.
Genome position (GRCh38, 1-based): chr10:80,283,918, T>G on the plus strand (A>C on the coding strand, the complement: MAT1A is on the minus strand). VCF-style: chr10-80283918-T-G. GRCh37 (hg19) VCF-style: chr10-82043674-T-G.
Other names: short protein forms K97T.
Identifiers: ClinVar variation 569132 (VCV000569132.10), dbSNP rs1564647783, ClinGen allele CA377363353.